The following is an entry in ClinVar:

ClinVar aggregate classification (germline): Likely pathogenic (1 of 4 stars; one submission).

Submission:

GeneDx
Classification: Likely pathogenic. Last evaluated: 2024-03-18. Review status: criteria provided, single submitter. Criteria: GeneDx Variant Classification Process June 2021. Collection method: clinical testing. Allele origin: germline. Affected: yes.
Comment: Identified in the heterozygous state in a patient with transposition of the great arteries in the published literature this individual did not have other reported features of RARB-related disorder (PMID: 34670123); Nonsense variant predicted to result in protein truncation or nonsense mediated decay in a gene for which loss of function is a known mechanism of disease; Not observed at significant frequency in large population cohorts (gnomAD); This variant is associated with the following publications: (PMID: 34670123)

NM_000965.5(RARB):c.553C>T (p.Arg185Ter)

Gene: RARB (retinoic acid receptor beta; plus strand). Cytogenetic location: 3p24.2.
Variant type: single nucleotide variant.
Coding change: c.553C>T on transcript NM_000965.5 (MANE Select); coding-DNA position 553, C replaced by T.
Protein change: p.Arg185Ter; replaces arginine 185 with a stop codon.
Molecular consequence: nonsense. On other transcripts: non-coding transcript variant (1).
Genome position (GRCh38, 1-based): chr3:25,569,862, C>T. VCF-style: chr3-25569862-C-T. GRCh37 (hg19) VCF-style: chr3-25611353-C-T.
Other names: c.574C>T, p.Arg192Ter (NM_001290216.3); c.217C>T, p.Arg73Ter (NM_001290217.2, NM_001290276.2, NM_016152.4); c.406C>T, p.Arg136Ter (NM_001290266.2); c.553C>T, p.Arg185Ter (NM_001290277.1); c.424C>T, p.Arg142Ter (NM_001290300.2); short protein forms R136*, R142*, R185*, R192*, R73*.
Identifiers: ClinVar variation 3342605 (VCV003342605.1).